The following is an entry in ClinVar:

ClinVar aggregate classification (germline): Conflicting classifications of pathogenicity. Review status: criteria provided, conflicting classifications (1 of 4 stars). 2 submissions from 2 submitters: Uncertain significance (1); Likely benign (1). Last evaluated 2026-01-22.

Conditions:
Renal cell carcinoma. Identifiers: Orphanet 217071, MedGen C0007134, MeSH D002292, MONDO:0005086, HP:0005584.
Hereditary cancer-predisposing syndrome. Also called: Hereditary neoplastic syndrome; Tumor predisposition; Neoplastic Syndromes, Hereditary; Hereditary Cancer Syndrome. Identifiers: Orphanet 140162, MedGen C0027672, MeSH D009386, MONDO:0015356.

Allele frequency attached by ClinVar (database versions not stated): gnomAD 0.00003 and 0.00004; TOPMed 0.00003.
gnomAD v4.1: 7 of 1,613,790 alleles (0.00043%); highest among the groups gnomAD compares: African/African-American, 0.0067%; no homozygotes.

Submissions (2):

Labcorp Genetics (formerly Invitae), Labcorp
Classification: Likely benign for Renal cell carcinoma. Last evaluated: 2026-01-22. Review status: criteria provided, single submitter. Criteria: Invitae Variant Classification Sherloc (09022015). Collection method: clinical testing. Allele origin: germline.

Sema4
Classification: Uncertain significance for Hereditary cancer-predisposing syndrome. Last evaluated: 2022-02-19. Review status: criteria provided, single submitter. Criteria: Sema4 Curation Guidelines. Collection method: curation. Allele origin: germline.
Comment: The MET c.1528-13C>A variant has not been reported in the literature to our knowledge. This variant was observed in 1/8708 chromosomes in the African/African American population according to the Genome Aggregation Database (PMID: 32461654), but has not been reported in ClinVar. In silico tools suggest the variant does not disrupt normal splicing, though these predictions have not been confirmed by functional studies. The evidence is insufficient to meet ACMG/AMP criteria for classifying the variant as benign or pathogenic. Thus, the clinical significance of this variant is currently uncertain.

NM_000245.4(MET):c.1528-13C>A

Gene: MET (MET proto-oncogene, receptor tyrosine kinase; plus strand). Cytogenetic location: 7q31.2.
Variant type: single nucleotide variant.
Coding change: c.1528-13C>A on transcript NM_000245.4 (MANE Select); 13 bases into the intron before coding-DNA position 1528, C replaced by A.
Molecular consequence: intron variant.
Genome position (GRCh38, 1-based): chr7:116,740,839, C>A. VCF-style: chr7-116740839-C-A. GRCh37 (hg19) VCF-style: chr7-116380893-C-A.
Other names: c.1528-13C>A (NM_001127500.3, NM_001324401.3); c.238-13C>A (NM_001324402.2).
Identifiers: ClinVar variation 1546359 (VCV001546359.9), dbSNP rs751613983, ClinGen allele CA164873693.